The following is an entry in ClinVar:

NM_000282.4(PCCA):c.*115C>T

Genes: GGACT (gamma-glutamylamine cyclotransferase; minus strand), PCCA (propionyl-CoA carboxylase subunit alpha; plus strand). Cytogenetic location: 13q32.3.
Variant type: single nucleotide variant.
Coding change: c.*115C>T on transcript NM_000282.4 (MANE Select); 115 bases downstream of the stop codon, C replaced by T.
Molecular consequence: 3 prime UTR variant. On other transcripts: non-coding transcript variant (5).
Genome position (GRCh38, 1-based): chr13:100,530,281, C>T. VCF-style: chr13-100530281-C-T. GRCh37 (hg19) VCF-style: chr13-101182535-C-T.
Other names: c.*115C>T (NM_001127692.3, NM_001178004.2, NM_001352605.2 and 6 more transcripts); c.*1849G>A (NM_001195087.2, NM_033110.3).
Identifiers: ClinVar variation 310853 (VCV000310853.6), dbSNP rs41281122, ClinGen allele CA10638860.
Genomic context (GRCh38, chr13:100,530,281, plus strand): 5'-TTTCACACACAATTGATTCAAGCATTATACAGGAACACCCCTGTGCAGCTACGTTTACGT[C>T]GTCATTTATTCCACAGAGTCAAGACCAATATTCTGCCAAAAAATCACCAATGGAAATTTT-3'

ClinVar aggregate classification (germline): Likely benign. Review status: criteria provided, multiple submitters, no conflicts (2 of 4 stars). 2 submissions from 2 submitters: Likely benign (2). Last evaluated 2018-01-13.

Conditions:
Propionic acidemia (PROP). Also called: GLYCINEMIA, KETOTIC; HYPERGLYCINEMIA WITH KETOACIDOSIS AND LEUKOPENIA; KETOTIC HYPERGLYCINEMIA. Identifiers: Orphanet 35, MedGen C0268579, MONDO:0011628, OMIM 606054, HP:0003571.

Allele frequency attached by ClinVar (database versions not stated): 1000 Genomes Project 30x 0.00406; 1000 Genomes Project 0.00419; gnomAD 0.00704; TOPMed 0.00807.
gnomAD v4.1: 7,953 of 850,454 alleles (0.94%); highest among the groups gnomAD compares: Non-Finnish European, 1.3%; 48 homozygotes.

Submissions (2):

Illumina Laboratory Services, Illumina
Classification: Likely benign for Propionic acidemia. Last evaluated: 2018-01-13. Review status: criteria provided, single submitter. Criteria: ICSL Variant Classification Criteria 13 December 2019. Collection method: clinical testing. Allele origin: germline.
Comment: This variant was observed in the ICSL laboratory as part of a predisposition screen in an ostensibly healthy population. It had not been previously curated by ICSL or reported in the Human Gene Mutation Database (HGMD: prior to June 1st, 2018), and was therefore a candidate for classification through an automated scoring system. Utilizing variant allele frequency, disease prevalence and penetrance estimates, and inheritance mode, an automated score was calculated to assess if this variant is too frequent to cause the disease. Based on the score and internal cut-off values, a variant classified as likely benign is not then subjected to further curation. The score for this variant resulted in a classification of likely benign for this disease.

Breakthrough Genomics
Classification: Likely benign. Review status: criteria provided, single submitter. Criteria: ACMG Guidelines, 2015. Collection method: not provided. Allele origin: germline. Inheritance: Autosomal recessive inheritance. Affected: yes.